The following is an entry in ClinVar:

ClinVar aggregate classification (germline): Likely benign (1 of 4 stars; one submission).

Allele frequency attached by ClinVar (database versions not stated): gnomAD exomes 0.00016; gnomAD 0.00121; TOPMed 0.00135; 1000 Genomes Project 30x 0.00172.
gnomAD v4.1: 443 of 1,614,170 alleles (0.027%); highest among the groups gnomAD compares: African/African-American, 0.52%; 1 homozygote.

Submission:

CeGaT Center for Human Genetics Tuebingen
Classification: Likely benign. Last evaluated: 2022-06-01. Review status: criteria provided, single submitter. Criteria: CeGaT Center For Human Genetics Tuebingen Variant Classification Criteria Version 2. Collection method: clinical testing. Allele origin: germline. Affected: yes. Observed: 1 variant allele.
Comment: PCDHA6: BP4, BP7

NM_018909.4(PCDHA6):c.432A>G (p.Glu144=)

Genes: PCDHA1 (protocadherin alpha 1; plus strand), PCDHA2 (protocadherin alpha 2; plus strand), PCDHA3 (protocadherin alpha 3; plus strand), PCDHA4 (protocadherin alpha 4; plus strand), PCDHA5 (protocadherin alpha 5; plus strand) and 2 more. Cytogenetic location: 5q31.3.
Variant type: single nucleotide variant.
Coding change: c.432A>G on transcript NM_018909.4 (MANE Select); coding-DNA position 432, A replaced by G.
Protein change: p.Glu144=; no amino-acid change (glutamic acid 144 retained).
Molecular consequence: synonymous variant. On other transcripts: intron variant (6).
Genome position (GRCh38, 1-based): chr5:140,828,523, A>G. VCF-style: chr5-140828523-A-G. GRCh37 (hg19) VCF-style: chr5-140208108-A-G.
Other names: c.432A>G, p.Glu144= (NM_031848.3, NM_031849.3); c.2394+39839A>G (NM_018900.4); c.1602+40631A>G (NM_031411.3); c.2388+31171A>G (NM_018905.3); c.2394+24932A>G (NM_018906.3); c.2385+18951A>G (NM_018907.4); c.2352+4396A>G (NM_018908.3).
Identifiers: ClinVar variation 2655757 (VCV002655757.22), dbSNP rs61730778, ClinGen allele CA3448215.